The following is an entry in ClinVar:

NM_006721.4(ADK):c.328_331del (p.Asp110fs)

Gene: ADK (adenosine kinase; plus strand). Cytogenetic location: 10q22.2.
Variant type: Microsatellite.
Coding change: c.328_331del on transcript NM_006721.4 (MANE Select); coding-DNA positions 328 to 331, 4 bases deleted (GATA; older notation c.328_331delGATA).
Protein change: p.Asp110fs; shifts the reading frame from aspartic acid 110.
Molecular consequence: frameshift variant.
Genome position (GRCh38, 1-based): chr10:74,394,195-74,394,198, GATA deleted; deleting any 4 consecutive bases within chr10:74,394,191-74,394,198 gives the same sequence; the c. name uses the placement nearest the transcript's 3' end. VCF-style (leftmost placement, unchanged base first): chr10-74394190-GGATA-G. GRCh37 (hg19) VCF-style: chr10-76153948-GGATA-G.
Other names: c.277_280del, p.Asp93fs (NM_001123.4, NM_001369124.1); c.223_226del, p.Asp75fs (NM_001202449.2); c.328_331del, p.Asp110fs (NM_001202450.2, NM_001369123.1); short protein forms D75fs, D110fs, D93fs.
Identifiers: ClinVar variation 2031084 (VCV002031084.4), dbSNP rs2547866979, ClinGen allele CA2580615511.

ClinVar aggregate classification (germline): Pathogenic (1 of 4 stars; one submission).

Submission:

Labcorp Genetics (formerly Invitae), Labcorp
Classification: Pathogenic. Last evaluated: 2025-01-23. Review status: criteria provided, single submitter. Criteria: Invitae Variant Classification Sherloc (09022015). Collection method: clinical testing. Allele origin: germline.
Comment: This sequence change creates a premature translational stop signal (p.Asp93Asnfs*6) in the ADK gene. It is expected to result in an absent or disrupted protein product. Loss-of-function variants in ADK are known to be pathogenic (PMID: 26642971). This variant is not present in population databases (gnomAD no frequency). This variant has not been reported in the literature in individuals affected with ADK-related conditions. For these reasons, this variant has been classified as Pathogenic.

Literature cited by the submitters: PubMed 26642971.